The following is an entry in ClinVar:

ClinVar aggregate classification (germline): Uncertain significance (1 of 4 stars; one submission).

Allele frequency attached by ClinVar (database versions not stated): TOPMed 0.00002; gnomAD 0.00003 and 0.00004; gnomAD exomes 0.00003.
gnomAD v4.1: 51 of 1,531,656 alleles (0.0033%); highest among the groups gnomAD compares: Non-Finnish European, 0.0041%; no homozygotes.

Submission:

Labcorp Genetics (formerly Invitae), Labcorp
Classification: Uncertain significance. Last evaluated: 2022-06-18. Review status: criteria provided, single submitter. Criteria: Invitae Variant Classification Sherloc (09022015). Collection method: clinical testing. Allele origin: germline.
Comment: Algorithms developed to predict the effect of missense changes on protein structure and function are either unavailable or do not agree on the potential impact of this missense change (SIFT: "Tolerated"; PolyPhen-2: "Not Available"; Align-GVGD: "Class C0"). ClinVar contains an entry for this variant (Variation ID: 972068). This variant has not been reported in the literature in individuals affected with PDZD7-related conditions. This variant is not present in population databases (gnomAD no frequency). This sequence change replaces lysine, which is basic and polar, with arginine, which is basic and polar, at codon 867 of the PDZD7 protein (p.Lys867Arg). In summary, the available evidence is currently insufficient to determine the role of this variant in disease. Therefore, it has been classified as a Variant of Uncertain Significance.

NM_001195263.2(PDZD7):c.2600A>G (p.Lys867Arg)

Gene: PDZD7 (PDZ domain containing 7; minus strand). Cytogenetic location: 10q24.31.
Variant type: single nucleotide variant.
Coding change: c.2600A>G on transcript NM_001195263.2 (MANE Select); coding-DNA position 2600, A replaced by G.
Protein change: p.Lys867Arg; replaces lysine 867 with arginine.
Molecular consequence: missense variant.
Genome position (GRCh38, 1-based): chr10:101,010,289, T>C on the plus strand (A>G on the coding strand, the complement: PDZD7 is on the minus strand). VCF-style: chr10-101010289-T-C. GRCh37 (hg19) VCF-style: chr10-102770046-T-C.
Other names: short protein forms K867R.
Identifiers: ClinVar variation 972068 (VCV000972068.6), dbSNP rs972998837, ClinGen allele CA212978442.